The following is an entry in ClinVar:

NM_006885.4(ZFHX3):c.9766G>T (p.Val3256Phe)

Genes: ZFHX3 (zinc finger homeobox 3; minus strand), ZFHX3-AS1 (ZFHX3 antisense RNA 1; plus strand). Cytogenetic location: 16q22.2.
Variant type: single nucleotide variant.
Coding change: c.9766G>T on transcript NM_006885.4 (MANE Select); coding-DNA position 9766, G replaced by T.
Protein change: p.Val3256Phe; replaces valine 3256 with phenylalanine.
Molecular consequence: missense variant.
Genome position (GRCh38, 1-based): chr16:72,788,510, C>A on the plus strand (G>T on the coding strand, the complement: ZFHX3 is on the minus strand). VCF-style: chr16-72788510-C-A. GRCh37 (hg19) VCF-style: chr16-72822409-C-A.
Other names: c.7024G>T, p.Val2342Phe (NM_001164766.2); c.9766G>T, p.Val3256Phe (NM_001386735.1); short protein forms V2342F, V3256F.
Identifiers: ClinVar variation 3765643 (VCV003765643.1).

ClinVar aggregate classification (germline): Uncertain significance (1 of 4 stars; one submission).

Submission:

Greenwood Genetic Center Diagnostic Laboratories, Greenwood Genetic Center
Classification: Uncertain significance. Last evaluated: 2024-09-12. Review status: criteria provided, single submitter. Criteria: ACMG Guidelines, 2015. Collection method: clinical testing. Allele origin: germline. Affected: yes.
Comment: PM2